The following is an entry in ClinVar:

NM_005732.4(RAD50):c.3241T>G (p.Tyr1081Asp)

Gene: RAD50 (RAD50 double strand break repair protein; plus strand). Cytogenetic location: 5q31.1.
Variant type: single nucleotide variant.
Coding change: c.3241T>G on transcript NM_005732.4 (MANE Select); coding-DNA position 3241, T replaced by G.
Protein change: p.Tyr1081Asp; replaces tyrosine 1081 with aspartic acid.
Molecular consequence: missense variant.
Genome position (GRCh38, 1-based): chr5:132,618,146, T>G. VCF-style: chr5-132618146-T-G. GRCh37 (hg19) VCF-style: chr5-131953838-T-G.
Other names: short protein forms Y1081D.
Identifiers: ClinVar variation 1503194 (VCV001503194.6), dbSNP rs1162961787, ClinGen allele CA360964456.

ClinVar aggregate classification (germline): Uncertain significance (1 of 4 stars; one submission).

Conditions:
Hereditary cancer-predisposing syndrome. Also called: Hereditary neoplastic syndrome; Tumor predisposition; Neoplastic Syndromes, Hereditary; Hereditary Cancer Syndrome. Identifiers: Orphanet 140162, MedGen C0027672, MeSH D009386, MONDO:0015356.

Allele frequency attached by ClinVar (database versions not stated): gnomAD exomes below 0.00001.
gnomAD v4.1: 1 of 1,613,864 alleles (0.000062%); highest among the groups gnomAD compares: Non-Finnish European, 0.000085%; no homozygotes.

Submission:

Labcorp Genetics (formerly Invitae), Labcorp
Classification: Uncertain significance for Hereditary cancer-predisposing syndrome. Last evaluated: 2025-02-03. Review status: criteria provided, single submitter. Criteria: Invitae Variant Classification Sherloc (09022015). Collection method: clinical testing. Allele origin: germline.
Comment: This sequence change replaces tyrosine, which is neutral and polar, with aspartic acid, which is acidic and polar, at codon 1081 of the RAD50 protein (p.Tyr1081Asp). This variant is present in population databases (no rsID available, gnomAD 0.0009%). This variant has not been reported in the literature in individuals affected with RAD50-related conditions. ClinVar contains an entry for this variant (Variation ID: 1503194). Invitae Evidence Modeling of protein sequence and biophysical properties (such as structural, functional, and spatial information, amino acid conservation, physicochemical variation, residue mobility, and thermodynamic stability) indicates that this missense variant is not expected to disrupt RAD50 protein function with a negative predictive value of 80%. In summary, the available evidence is currently insufficient to determine the role of this variant in disease. Therefore, it has been classified as a Variant of Uncertain Significance.